The following is an entry in ClinVar:

ClinVar aggregate classification (germline): Uncertain significance. Review status: criteria provided, multiple submitters, no conflicts (2 of 4 stars). 5 submissions from 5 submitters: Uncertain significance (5). Last evaluated 2025-10-13.

Conditions:
Hereditary cancer-predisposing syndrome. Also called: Hereditary Cancer Syndrome; Neoplastic Syndromes, Hereditary; Tumor predisposition; Hereditary neoplastic syndrome. Identifiers: Orphanet 140162, MedGen C0027672, MeSH D009386, MONDO:0015356.
Juvenile polyposis syndrome (JPS). Identifiers: Orphanet 2929, MedGen C0345893, MONDO:0017380, OMIM 174900.
Polyposis syndrome, hereditary mixed, 2. Identifiers: Orphanet 157794, MedGen C1864730, MONDO:0012405, OMIM 610069.

Submissions (5):

Labcorp Genetics (formerly Invitae), Labcorp
Classification: Uncertain significance for Juvenile polyposis syndrome. Last evaluated: 2025-10-13. Review status: criteria provided, single submitter. Criteria: Invitae Variant Classification Sherloc (09022015). Collection method: clinical testing. Allele origin: germline.
Comment: This sequence change replaces serine, which is neutral and polar, with phenylalanine, which is neutral and non-polar, at codon 39 of the BMPR1A protein (p.Ser39Phe). This variant is not present in population databases (gnomAD no frequency). This missense change has been observed in individual(s) with colorectal cancer (PMID: 37323311). ClinVar contains an entry for this variant (Variation ID: 230945). Invitae Evidence Modeling of protein sequence and biophysical properties (such as structural, functional, and spatial information, amino acid conservation, physicochemical variation, residue mobility, and thermodynamic stability) has been performed for this missense variant. However, the output from this modeling did not meet the statistical confidence thresholds required to predict the impact of this variant on BMPR1A protein function. In summary, the available evidence is currently insufficient to determine the role of this variant in disease. Therefore, it has been classified as a Variant of Uncertain Significance.

Ambry Genetics
Classification: Uncertain significance for Hereditary cancer-predisposing syndrome. Last evaluated: 2025-09-09. Review status: criteria provided, single submitter. Criteria: Ambry Variant Classification Scheme 2023. Collection method: clinical testing. Allele origin: germline.
Comment: The p.S39F variant (also known as c.116C>T), located in coding exon 2 of the BMPR1A gene, results from a C to T substitution at nucleotide position 116. The serine at codon 39 is replaced by phenylalanine, an amino acid with highly dissimilar properties. This alteration has been reported in an individual with early-onset colon cancer and colon polyps (Jinda W et al. Cureus, 2023 May;15:e39067). This amino acid position is not well conserved in available vertebrate species. In addition, this alteration is predicted to be tolerated by in silico analysis. Based on the available evidence, the clinical significance of this variant remains unclear.

All of Us Research Program, National Institutes of Health
Classification: Uncertain significance for Juvenile polyposis syndrome. Last evaluated: 2024-03-24. Review status: criteria provided, single submitter. Criteria: ACMG Guidelines, 2015. Collection method: clinical testing. Allele origin: germline. Inheritance: Autosomal dominant inheritance. Observed: 1 variant allele, 1 heterozygote.
Comment: This missense variant replaces serine with phenylalanine at codon 39 of the BMPR1A protein. Computational prediction suggests that this variant may not impact protein structure and function (internally defined REVEL score threshold <= 0.5, PMID: 27666373). To our knowledge, functional studies have not been reported for this variant. This variant has been reported in an individual affected with colorectal cancer and no polyps (PMID: 37323311). This variant has not been identified in the general population by the Genome Aggregation Database (gnomAD). The available evidence is insufficient to determine the role of this variant in disease conclusively. Therefore, this variant is classified as a Variant of Uncertain Significance.

This study involves interpretation of variants in research participants for the purpose of population health screening. Participant phenotype was not available at the time of variant classification. Additional details can be found in publication PMID: 35346344, PMCID: PMC8962531

Color Diagnostics, LLC DBA Color Health
Classification: Uncertain significance for Hereditary cancer-predisposing syndrome. Last evaluated: 2024-03-13. Review status: criteria provided, single submitter. Criteria: ACMG Guidelines, 2015. Collection method: clinical testing. Allele origin: germline.
Comment: This missense variant replaces serine with phenylalanine at codon 39 of the BMPR1A protein. Computational prediction suggests that this variant may not impact protein structure and function (internally defined REVEL score threshold <= 0.5, PMID: 27666373). To our knowledge, functional studies have not been reported for this variant. This variant has been reported in an individual affected with colorectal cancer and no polyps (PMID: 37323311). This variant has not been identified in the general population by the Genome Aggregation Database (gnomAD). The available evidence is insufficient to determine the role of this variant in disease conclusively. Therefore, this variant is classified as a Variant of Uncertain Significance.

Baylor Genetics
Classification: Uncertain significance for Polyposis syndrome, hereditary mixed, 2. Last evaluated: 2023-12-15. Review status: criteria provided, single submitter. Criteria: ACMG Guidelines, 2015. Collection method: clinical testing. Allele origin: unknown.

Literature cited by the submitters: PubMed 37323311 (cited by 4 submitters).

NM_004329.3(BMPR1A):c.116C>T (p.Ser39Phe)

Gene: BMPR1A (bone morphogenetic protein receptor type 1A; plus strand). Cytogenetic location: 10q23.2.
Variant type: single nucleotide variant.
Coding change: c.116C>T on transcript NM_004329.3 (MANE Select); coding-DNA position 116, C replaced by T.
Protein change: p.Ser39Phe; replaces serine 39 with phenylalanine.
Molecular consequence: missense variant.
Genome position (GRCh38, 1-based): chr10:86,890,110, C>T. VCF-style: chr10-86890110-C-T. GRCh37 (hg19) VCF-style: chr10-88649867-C-T.
Other names: short protein forms S39F.
Identifiers: ClinVar variation 230945 (VCV000230945.24), dbSNP rs876658859, ClinGen allele CA10578873.